The following is an entry in ClinVar:

NM_000043.6(FAS):c.658G>A (p.Val220Met)

Gene: FAS (Fas cell surface death receptor; plus strand). Cytogenetic location: 10q23.31.
Variant type: single nucleotide variant.
Coding change: c.658G>A on transcript NM_000043.6 (MANE Select); coding-DNA position 658, G replaced by A.
Protein change: p.Val220Met; replaces valine 220 with methionine.
Molecular consequence: missense variant. On other transcripts: non-coding transcript variant (7), intron variant (1).
Genome position (GRCh38, 1-based): chr10:89,013,349, G>A. VCF-style: chr10-89013349-G-A. GRCh37 (hg19) VCF-style: chr10-90773106-G-A.
Other names: c.575G>A, p.Ser192Asn (NM_001320619.2); c.595G>A, p.Val199Met (NM_152871.4); c.652-770G>A (NM_152872.4); short protein forms V220M, S192N, V199M.
Identifiers: ClinVar variation 532229 (VCV000532229.8), dbSNP rs755437276, ClinGen allele CA5593191.
Genomic context (GRCh38, chr10:89,013,349, plus strand): 5'-TTCTAAAGATATATTTTTATTTGTCTTTCTCTGCTTCCATTTTTTGCTTTCTAGGAAACA[G>A]TGGCAATAAATTTATCTGGTAAGGCTTTTATCATTTTATTTCATAGAGATGGCATCCTTT-3'
Protein context (NP_000034.1, residues 210-230): HESPTLNPET[Val220Met]AINLSDVDLS

ClinVar aggregate classification (germline): Uncertain significance (1 of 4 stars; one submission).

Conditions:
Autoimmune lymphoproliferative syndrome type 1. Also called: AUTOIMMUNE LYMPHOPROLIFERATIVE SYNDROME, TYPE I, AUTOSOMAL DOMINANT. Identifiers: Orphanet 3261, MedGen C2717884, MONDO:0011158, OMIM 601859.

Allele frequency attached by ClinVar (database versions not stated): TOPMed below 0.00001; ExAC 0.00001.
gnomAD v4.1: 3 of 1,611,804 alleles (0.00019%); no homozygotes.

Submission:

Labcorp Genetics (formerly Invitae), Labcorp
Classification: Uncertain significance for Autoimmune lymphoproliferative syndrome. Last evaluated: 2025-12-24. Review status: criteria provided, single submitter. Criteria: Invitae Variant Classification Sherloc (09022015). Collection method: clinical testing. Allele origin: germline.
Comment: This sequence change replaces valine, which is neutral and non-polar, with methionine, which is neutral and non-polar, at codon 220 of the FAS protein (p.Val220Met). This variant is present in population databases (rs755437276, gnomAD 0.006%). This variant has not been reported in the literature in individuals affected with FAS-related conditions. ClinVar contains an entry for this variant (Variation ID: 532229). Invitae Evidence Modeling of protein sequence and biophysical properties (such as structural, functional, and spatial information, amino acid conservation, physicochemical variation, residue mobility, and thermodynamic stability) indicates that this missense variant is not expected to disrupt FAS protein function with a negative predictive value of 80%. In summary, the available evidence is currently insufficient to determine the role of this variant in disease. Therefore, it has been classified as a Variant of Uncertain Significance.